The following is an entry in ClinVar:

ClinVar aggregate classification (germline): Uncertain significance (1 of 4 stars; one submission).

Conditions:
Baller-Gerold syndrome (BGS). Also called: CRANIOSYNOSTOSIS WITH RADIAL DEFECTS. Identifiers: Orphanet 1225, MedGen C0265308, MONDO:0009039, OMIM 218600.

gnomAD v4.1: 1 of 1,608,700 alleles (0.000062%); no homozygotes.

Submission:

Labcorp Genetics (formerly Invitae), Labcorp
Classification: Uncertain significance for Baller-Gerold syndrome. Last evaluated: 2023-03-23. Review status: criteria provided, single submitter. Criteria: Invitae Variant Classification Sherloc (09022015). Collection method: clinical testing. Allele origin: germline.
Comment: This sequence change replaces alanine, which is neutral and non-polar, with threonine, which is neutral and polar, at codon 226 of the RECQL4 protein (p.Ala226Thr). This variant is not present in population databases (gnomAD no frequency). This variant has not been reported in the literature in individuals affected with RECQL4-related conditions. Advanced modeling of protein sequence and biophysical properties (such as structural, functional, and spatial information, amino acid conservation, physicochemical variation, residue mobility, and thermodynamic stability) performed at Invitae indicates that this missense variant is not expected to disrupt RECQL4 protein function. In summary, the available evidence is currently insufficient to determine the role of this variant in disease. Therefore, it has been classified as a Variant of Uncertain Significance.

NM_004260.4(RECQL4):c.676G>A (p.Ala226Thr)

Gene: RECQL4 (RecQ like helicase 4; minus strand). Cytogenetic location: 8q24.3.
Variant type: single nucleotide variant.
Coding change: c.676G>A on transcript NM_004260.4 (MANE Select); coding-DNA position 676, G replaced by A.
Protein change: p.Ala226Thr; replaces alanine 226 with threonine.
Molecular consequence: missense variant. On other transcripts: 5 prime UTR variant (15), non-coding transcript variant (3), intron variant (3).
Genome position (GRCh38, 1-based): chr8:144,516,443, C>T on the plus strand (G>A on the coding strand, the complement: RECQL4 is on the minus strand). VCF-style: chr8-144516443-C-T. GRCh37 (hg19) VCF-style: chr8-145741827-C-T.
Other names: c.676G>A, p.Ala226Thr (NM_001413017.1, NM_001413018.1, NM_001413019.1 and 4 more transcripts); c.-396G>A (NM_001413022.1, NM_001413023.1, NM_001413024.1 and 5 more transcripts); c.547G>A, p.Ala183Thr (NM_001413025.1); c.-458G>A (NM_001413027.1, NM_001413030.1, NM_001413031.1 and 2 more transcripts); c.-300G>A (NM_001413034.1); c.-665G>A (NM_001413043.1); c.355-30G>A (NM_001413029.1); c.-366-30G>A (NM_001413021.1, NM_001413028.1); short protein forms A226T, A183T.
Identifiers: ClinVar variation 2848945 (VCV002848945.3), dbSNP rs2130724478, ClinGen allele CA372689770.